The following is an entry in ClinVar:

ClinVar aggregate classification (germline): Uncertain significance. Review status: criteria provided, multiple submitters, no conflicts (2 of 4 stars). 4 submissions from 4 submitters: Uncertain significance (4). Last evaluated 2025-12-16.

Conditions:
Inborn genetic diseases. Identifiers: MedGen C0950123, MeSH D030342.

Allele frequency attached by ClinVar (database versions not stated): TOPMed 0.00002.

Submissions (4):

Ambry Genetics
Classification: Uncertain significance for Inborn genetic diseases. Last evaluated: 2025-12-16. Review status: criteria provided, single submitter. Criteria: Ambry Variant Classification Scheme 2023. Collection method: clinical testing. Allele origin: germline.

Blueprint Genetics
Classification: Uncertain significance. Last evaluated: 2024-08-26. Review status: criteria provided, single submitter. Criteria: ACMG Guidelines, 2015. Collection method: clinical testing. Allele origin: germline.

Labcorp Genetics (formerly Invitae), Labcorp
Classification: Uncertain significance. Last evaluated: 2023-12-11. Review status: criteria provided, single submitter. Criteria: Invitae Variant Classification Sherloc (09022015). Collection method: clinical testing. Allele origin: germline.
Comment: This sequence change replaces arginine with cysteine at codon 172 of the USH1G protein (p.Arg172Cys). The arginine residue is moderately conserved and there is a large physicochemical difference between arginine and cysteine. This variant is present in population databases (rs199941325, gnomAD 0.006%). This variant has not been reported in the literature in individuals affected with USH1G-related conditions. ClinVar contains an entry for this variant (Variation ID: 505324). Advanced modeling of protein sequence and biophysical properties (such as structural, functional, and spatial information, amino acid conservation, physicochemical variation, residue mobility, and thermodynamic stability) performed at Invitae indicates that this missense variant is not expected to disrupt USH1G protein function with a negative predictive value of 80%. In summary, the available evidence is currently insufficient to determine the role of this variant in disease. Therefore, it has been classified as a Variant of Uncertain Significance.

Laboratory for Molecular Medicine, Mass General Brigham Personalized Medicine
Classification: Uncertain significance. Last evaluated: 2020-12-15. Review status: criteria provided, single submitter. Criteria: ACMG Guidelines, 2015. Collection method: clinical testing. Allele origin: germline.
Comment: The p.Arg172Cys variant in USH1G has not been previously reported in individuals with hearing loss or Usher syndrome. This variant has been identified in 0.006% (7/126684) of European chromosomes by gnomAD. Computational prediction tools and conservation analyses suggest that this variant may not impact the protein, though this information is not predictive enough to rule out pathogenicity. In summary, the clinical significance of the p.Arg172Cys variant is uncertain. ACMG/AMP Criteria applied: PM2_Supporting, BP4.

NM_173477.5(USH1G):c.514C>T (p.Arg172Cys)

Gene: USH1G (USH1 protein network component sans; minus strand). Cytogenetic location: 17q25.1.
Variant type: single nucleotide variant.
Coding change: c.514C>T on transcript NM_173477.5 (MANE Select); coding-DNA position 514, C replaced by T.
Protein change: p.Arg172Cys; replaces arginine 172 with cysteine.
Molecular consequence: missense variant.
Genome position (GRCh38, 1-based): chr17:74,920,322, G>A on the plus strand (C>T on the coding strand, the complement: USH1G is on the minus strand). VCF-style: chr17-74920322-G-A. GRCh37 (hg19) VCF-style: chr17-72916417-G-A.
Other names: c.205C>T, p.Arg69Cys (NM_001282489.3); short protein forms R172C, R69C.
Identifiers: ClinVar variation 505324 (VCV000505324.11), dbSNP rs199941325, ClinGen allele CA8754054.